The following is an entry in ClinVar:

NM_001164508.2(NEB):c.17401G>A (p.Ala5801Thr)

Gene: NEB (nebulin; minus strand). Cytogenetic location: 2q23.3.
Variant type: single nucleotide variant.
Coding change: c.17401G>A on transcript NM_001164508.2 (MANE Select); coding-DNA position 17401, G replaced by A.
Protein change: p.Ala5801Thr; replaces alanine 5801 with threonine.
Molecular consequence: missense variant.
Genome position (GRCh38, 1-based): chr2:151,570,110, C>T on the plus strand (G>A on the coding strand, the complement: NEB is on the minus strand). VCF-style: chr2-151570110-C-T. GRCh37 (hg19) VCF-style: chr2-152426624-C-T.
Other names: c.17401G>A, p.Ala5801Thr (NM_001164507.2, NM_001271208.2); c.12298G>A, p.Ala4100Thr (NM_004543.5); c.12298G>A (NM_004543.4); short protein forms A5801T, A4100T.
Identifiers: ClinVar variation 465501 (VCV000465501.14), dbSNP rs1204919597, ClinGen allele CA348807309.

ClinVar aggregate classification (germline): Uncertain significance. Review status: criteria provided, multiple submitters, no conflicts (2 of 4 stars). 5 submissions from 5 submitters: Uncertain significance (4). 1 of the submissions does not count toward it. Last evaluated 2025-02-05.

Conditions:
Nemaline myopathy 2 (NEM2). Also called: Nemaline myopathy 2, autosomal recessive. Identifiers: MedGen C1850569, MONDO:0009725, OMIM 256030.
Inborn genetic diseases. Identifiers: MedGen C0950123, MeSH D030342.

Allele frequency attached by ClinVar (database versions not stated): gnomAD exomes below 0.00001 and 0.00001; gnomAD 0.00002; TOPMed 0.00003.
gnomAD v4.1: 8 of 1,611,616 alleles (0.0005%); highest among the groups gnomAD compares: African/African-American, 0.011%; no homozygotes.

Submissions (5):

Ambry Genetics
Classification: Uncertain significance for Inborn genetic diseases. Last evaluated: 2025-02-05. Review status: criteria provided, single submitter. Criteria: Ambry Variant Classification Scheme 2023. Collection method: clinical testing. Allele origin: germline.

GeneDx
Classification: Uncertain significance. Last evaluated: 2024-05-19. Review status: criteria provided, single submitter. Criteria: GeneDx Variant Classification Process June 2021. Collection method: clinical testing. Allele origin: germline. Affected: yes.
Comment: Not observed at significant frequency in large population cohorts (gnomAD); In silico analysis supports that this missense variant has a deleterious effect on protein structure/function; Has not been previously published as pathogenic or benign to our knowledge

Revvity Omics, Revvity
Classification: Uncertain significance. Last evaluated: 2023-08-11. Review status: criteria provided, single submitter. Criteria: ACMG Guidelines, 2015. Collection method: clinical testing. Allele origin: germline.

Labcorp Genetics (formerly Invitae), Labcorp
Classification: Uncertain significance for Nemaline myopathy 2. Last evaluated: 2021-08-26. Review status: criteria provided, single submitter. Criteria: Invitae Variant Classification Sherloc (09022015). Collection method: clinical testing. Allele origin: germline.
Comment: This sequence change replaces alanine with threonine at codon 5801 of the NEB protein (p.Ala5801Thr). The alanine residue is moderately conserved and there is a small physicochemical difference between alanine and threonine. This variant is not present in population databases (ExAC no frequency). This variant has not been reported in the literature in individuals affected with NEB-related conditions. ClinVar contains an entry for this variant (Variation ID: 465501). Algorithms developed to predict the effect of missense changes on protein structure and function are either unavailable or do not agree on the potential impact of this missense change (SIFT: "Deleterious"; PolyPhen-2: "Not Available"; Align-GVGD: "Class C0"). In summary, the available evidence is currently insufficient to determine the role of this variant in disease. Therefore, it has been classified as a Variant of Uncertain Significance.

Natera, Inc.
Classification: Uncertain significance for Nemaline myopathy type 2. Last evaluated: 2019-11-11. Review status: no assertion criteria provided. Collection method: clinical testing. Allele origin: germline. Not counted in ClinVar's aggregate classification.